The following is an entry in ClinVar:

ClinVar aggregate classification (germline): Benign (1 of 4 stars; one submission).

Conditions:
Childhood-onset schizophrenia. Also called: Childhood schizophrenia. Identifiers: Orphanet 641496, MedGen C0036346, MONDO:0957430.

Allele frequency attached by ClinVar (database versions not stated): gnomAD 0.00001; TOPMed 0.00002; gnomAD exomes 0.00003.
gnomAD v4.1: 37 of 1,591,462 alleles (0.0023%); highest among the groups gnomAD compares: East Asian, 0.0068%; no homozygotes.

Submission:

Dr. Guy Rouleau's laboratory, McGill University
Classification: Benign for Childhood Onset Schizophrenia. Last evaluated: 2014-01-01. Review status: criteria provided, single submitter. Criteria: Submitter's publication. Collection method: research. Allele origin: de novo. Affected: yes. Observed: 1 variant allele.
Comment: Identified by next generation sequencing

NM_001326411.2(PISD):c.322-3886G>A

Genes: PISD (phosphatidylserine decarboxylase; minus strand), LOC110121499 (VISTA enhancer hs2240; plus strand). Cytogenetic location: 22q12.2.
Variant type: single nucleotide variant.
Coding change: c.322-3886G>A on transcript NM_001326411.2 (MANE Select); 3886 bases into the intron before coding-DNA position 322, G replaced by A.
Molecular consequence: intron variant. On other transcripts: synonymous variant (6).
Genome position (GRCh38, 1-based): chr22:31,625,771, C>T on the plus strand (G>A on the coding strand, the complement: PISD is on the minus strand). VCF-style: chr22-31625771-C-T. GRCh37 (hg19) VCF-style: chr22-32021757-C-T.
Other names: c.45G>A, p.Ala15= (NM_001326415.2, NM_001326416.2, NM_001326417.2 and 3 more transcripts); c.322-3949G>A (NM_001326412.1); c.322-3886G>A (NM_001326421.1); c.142-3886G>A (NM_001326420.2, NM_001326418.2); c.93-1922G>A (NM_001326413.2, NM_001326414.2).
Identifiers: ClinVar variation 208404 (VCV000208404.3), dbSNP rs863223357, ClinGen allele CA279872.